The following is an entry in ClinVar:

ClinVar aggregate classification (germline): Uncertain significance. Review status: criteria provided, multiple submitters, no conflicts (2 of 4 stars). 2 submissions from 2 submitters: Uncertain significance (2). Last evaluated 2020-07-24.

Conditions:
LAMA2-related muscular dystrophy (LAMA2-RD). Also called: Laminin alpha 2-related dystrophy. Identifiers: MedGen C5679788, MONDO:0100228.

Allele frequency attached by ClinVar (database versions not stated): TOPMed below 0.00001; gnomAD 0.00001.
gnomAD v4.1: 1 of 1,560,774 alleles (0.000064%); highest among the groups gnomAD compares: African/African-American, 0.0014%; no homozygotes.

Submissions (2):

Labcorp Genetics (formerly Invitae), Labcorp
Classification: Uncertain significance for LAMA2-related muscular dystrophy. Last evaluated: 2020-07-24. Review status: criteria provided, single submitter. Criteria: Invitae Variant Classification Sherloc (09022015). Collection method: clinical testing. Allele origin: germline.
Comment: This sequence change falls in intron 27 of the LAMA2 gene. It does not directly change the encoded amino acid sequence of the LAMA2 protein, but it affects a nucleotide within the consensus splice site of the intron. This variant is not present in population databases (ExAC no frequency). This variant has not been reported in the literature in individuals with LAMA2-related disease. ClinVar contains an entry for this variant (Variation ID: 543881). Nucleotide substitutions within the consensus splice site are a relatively common cause of aberrant splicing (PMID: 17576681, 9536098). Algorithms developed to predict the effect of sequence changes on RNA splicing suggest that this variant is not likely to affect RNA splicing, but this prediction has not been confirmed by published transcriptional studies. In summary, the available evidence is currently insufficient to determine the role of this variant in disease. Therefore, it has been classified as a Variant of Uncertain Significance.

Revvity Omics, Revvity
Classification: Uncertain significance. Last evaluated: 2019-09-17. Review status: criteria provided, single submitter. Criteria: ACMG Guidelines, 2015. Collection method: clinical testing. Allele origin: germline.

Literature cited by the submitters: PubMed 17576681 (cited by Labcorp Genetics (formerly Invitae), Labcorp); PubMed 9536098 (cited by Labcorp Genetics (formerly Invitae), Labcorp).

NM_000426.4(LAMA2):c.4059-3T>C

Gene: LAMA2 (laminin subunit alpha 2; plus strand). Cytogenetic location: 6q22.33.
Variant type: single nucleotide variant.
Coding change: c.4059-3T>C on transcript NM_000426.4 (MANE Select); 3 bases into the intron before coding-DNA position 4059, T replaced by C.
Molecular consequence: intron variant.
Genome position (GRCh38, 1-based): chr6:129,320,535, T>C. VCF-style: chr6-129320535-T-C. GRCh37 (hg19) VCF-style: chr6-129641680-T-C.
Other names: c.4059-3T>C (NM_001079823.2).
Identifiers: ClinVar variation 543881 (VCV000543881.13), dbSNP rs1236854134, ClinGen allele CA658796827.